The following is an entry in ClinVar:

ClinVar aggregate classification (germline): Likely pathogenic (1 of 4 stars; one submission).

Conditions:
Snijders Blok-Campeau syndrome. Also called: INTELLECTUAL DEVELOPMENTAL DISORDER WITH MACROCEPHALY, SPEECH DELAY, AND DYSMORPHIC FACIES. Identifiers: Orphanet 599082, MedGen C4748701, MONDO:0032600, OMIM 618205.

Submission:

3billion
Classification: Likely pathogenic for Snijders Blok-Campeau syndrome. Last evaluated: 2021-10-02. Review status: criteria provided, single submitter. Criteria: ACMG Guidelines, 2015. Collection method: clinical testing. Allele origin: germline. Affected: yes. Observed: 1 heterozygote.
Comment: The variant was observed as assumed (i.e. paternity and maternity not confirmed) de novoo (3billion dataset, PM6). It is not observed in the gnomAD v2.1.1 dataset (PM2). In silico tool predictions suggest damaging effect of the variant on gene or gene product (REVEL: 0.806, 3Cnet: 0.797, PP3). Patient is considered compatible with Snijders Blok-Campeau syndrome(PP4_P). Therefore, this variant is classified as likely pathogenic according to the recommendation of ACMG/AMP guideline.

NM_001005273.3(CHD3):c.3878T>C (p.Val1293Ala)

Gene: CHD3 (chromodomain helicase DNA binding protein 3; plus strand). Cytogenetic location: 17p13.1.
Variant type: single nucleotide variant.
Coding change: c.3878T>C on transcript NM_001005273.3 (MANE Select); coding-DNA position 3878, T replaced by C.
Protein change: p.Val1293Ala; replaces valine 1293 with alanine.
Molecular consequence: missense variant.
Genome position (GRCh38, 1-based): chr17:7,903,975, T>C. VCF-style: chr17-7903975-T-C. GRCh37 (hg19) VCF-style: chr17-7807293-T-C.
Other names: c.4055T>C, p.Val1352Ala (NM_001005271.3); c.3878T>C, p.Val1293Ala (NM_005852.4); short protein forms V1293A, V1352A.
Identifiers: ClinVar variation 1320099 (VCV001320099.1), dbSNP rs2151609046, ClinGen allele CA397943892.